The following is an entry in ClinVar:

ClinVar aggregate classification (germline): Uncertain significance. Review status: criteria provided, multiple submitters, no conflicts (2 of 4 stars). 2 submissions from 2 submitters: Uncertain significance (2). Last evaluated 2023-07-25.

Conditions:
Intellectual developmental disorder with seizures and language delay (IDDSELD). Identifiers: MedGen C5436574, MONDO:0033559, OMIM 619000.

gnomAD v4.1: 6 of 1,551,340 alleles (0.00039%); highest among the groups gnomAD compares: South Asian, 0.0024%; no homozygotes.

Submissions (2):

GeneDx
Classification: Uncertain significance. Last evaluated: 2023-07-25. Review status: criteria provided, single submitter. Criteria: GeneDx Variant Classification Process June 2021. Collection method: clinical testing. Allele origin: germline. Affected: yes.
Comment: In silico analysis supports that this missense variant does not alter protein structure/function; Has not been previously published as pathogenic or benign to our knowledge

New York Genome Center
Classification: Uncertain significance for Intellectual developmental disorder with seizures and language delay. Last evaluated: 2021-04-02. Review status: criteria provided, single submitter. Criteria: NYGC Assertion Criteria 2020. Collection method: clinical testing. Allele origin: inherited. Observed: 1 heterozygote. Study: CSER-NYCKidSeq.
Comment: The inherited c.2672G>A, p.Arg891Gln missense variant identified in SETD1B has not been reported in the literature. This variant is not reported in the gnomAD v3 database, indicating this is a rare allele. In silico tools predict conflicting evidence of pathogenicity. Based on the available evidence, the variant c.2672G>A, p.Arg891Gln in the SETD1B gene is classified as a Variant of Uncertain Significance.

NM_001353345.2(SETD1B):c.2672G>A (p.Arg891Gln)

Gene: SETD1B (SET domain containing 1B, histone lysine methyltransferase; plus strand). Cytogenetic location: 12q24.31.
Variant type: single nucleotide variant.
Coding change: c.2672G>A on transcript NM_001353345.2 (MANE Select); coding-DNA position 2672, G replaced by A.
Protein change: p.Arg891Gln; replaces arginine 891 with glutamine.
Molecular consequence: missense variant.
Genome position (GRCh38, 1-based): chr12:121,814,887, G>A. VCF-style: chr12-121814887-G-A. GRCh37 (hg19) VCF-style: chr12-122252793-G-A.
Other names: short protein forms R891Q.
Identifiers: ClinVar variation 1342451 (VCV001342451.2), dbSNP rs369582788, ClinGen allele CA386995168.